The following is an entry in ClinVar:

NM_001351.4(DAZL):c.552G>A (p.Leu184=)

Gene: DAZL (deleted in azoospermia like; minus strand). Cytogenetic location: 3p24.3.
Variant type: single nucleotide variant.
Coding change: c.552G>A on transcript NM_001351.4 (MANE Select); coding-DNA position 552, G replaced by A.
Protein change: p.Leu184=; no amino-acid change (leucine 184 retained).
Molecular consequence: synonymous variant.
Genome position (GRCh38, 1-based): chr3:16,595,332, C>T on the plus strand (G>A on the coding strand, the complement: DAZL is on the minus strand). VCF-style: chr3-16595332-C-T. GRCh37 (hg19) VCF-style: chr3-16636839-C-T.
Other names: c.612G>A, p.Leu204= (NM_001190811.2).
Identifiers: ClinVar variation 3049955 (VCV003049955.2), dbSNP rs748066712, ClinGen allele CA2280294.

ClinVar aggregate classification (germline): Likely benign (0 of 4 stars; one submission).

Conditions:
DAZL-related disorder. Also called: DAZL-related condition.

Allele frequency attached by ClinVar (database versions not stated): gnomAD 0.00003; TOPMed 0.00008; gnomAD exomes 0.00010; ExAC 0.00023.
gnomAD v4.1: 60 of 1,563,830 alleles (0.0038%); highest among the groups gnomAD compares: Admixed American, 0.1%; no homozygotes.

Submission:

PreventionGenetics, part of Exact Sciences
Classification: Likely benign for DAZL-related condition. Last evaluated: 2019-07-23. Review status: no assertion criteria provided. Collection method: clinical testing. Allele origin: germline.
Comment: This variant is classified as likely benign based on ACMG/AMP sequence variant interpretation guidelines (Richards et al. 2015 PMID: 25741868, with internal and published modifications).